The following is an entry in ClinVar:

ClinVar aggregate classification (germline): Pathogenic (1 of 4 stars; one submission).

Conditions:
Charcot-Marie-Tooth disease type 4. Also called: Charcot-Marie-Tooth, Type 4; Charcot-Marie-Tooth disease, type IV. Identifiers: Orphanet 64749, MedGen C4082197, MONDO:0018995.

Allele frequency attached by ClinVar (database versions not stated): gnomAD exomes below 0.00001.
gnomAD v4.1: 1 of 1,613,742 alleles (0.000062%); highest among the groups gnomAD compares: Non-Finnish European, 0.000085%; no homozygotes.

Submission:

Labcorp Genetics (formerly Invitae), Labcorp
Classification: Pathogenic for Charcot-Marie-Tooth disease type 4. Last evaluated: 2022-07-29. Review status: criteria provided, single submitter. Criteria: Invitae Variant Classification Sherloc (09022015). Collection method: clinical testing. Allele origin: germline.
Comment: For these reasons, this variant has been classified as Pathogenic. This sequence change creates a premature translational stop signal (p.Glu62*) in the FIG4 gene. It is expected to result in an absent or disrupted protein product. Loss-of-function variants in FIG4 are known to be pathogenic (PMID: 23623387). This variant is not present in population databases (gnomAD no frequency). This variant has not been reported in the literature in individuals affected with FIG4-related conditions. Algorithms developed to predict the effect of sequence changes on RNA splicing suggest that this variant may disrupt the consensus splice site.

Literature cited by the submitters: PubMed 23623387.

NM_014845.6(FIG4):c.184G>T (p.Glu62Ter)

Gene: FIG4 (FIG4 phosphoinositide 5-phosphatase; plus strand). Cytogenetic location: 6q21.
Variant type: single nucleotide variant.
Coding change: c.184G>T on transcript NM_014845.6 (MANE Select); coding-DNA position 184, G replaced by T.
Protein change: p.Glu62Ter; replaces glutamic acid 62 with a stop codon.
Molecular consequence: nonsense.
Genome position (GRCh38, 1-based): chr6:109,716,463, G>T. VCF-style: chr6-109716463-G-T. GRCh37 (hg19) VCF-style: chr6-110037666-G-T.
Other names: short protein forms E62*.
Identifiers: ClinVar variation 2020290 (VCV002020290.4), dbSNP rs2486085709, ClinGen allele CA365212156.